The following is an entry in ClinVar:

ClinVar aggregate classification (germline): Uncertain significance (1 of 4 stars; one submission).

Allele frequency attached by ClinVar (database versions not stated): TOPMed below 0.00001; ExAC 0.00001; gnomAD exomes 0.00001.
gnomAD v4.1: 2 of 1,613,876 alleles (0.00012%); highest among the groups gnomAD compares: South Asian, 0.0022%; no homozygotes.

Submission:

Labcorp Genetics (formerly Invitae), Labcorp
Classification: Uncertain significance. Last evaluated: 2024-10-25. Review status: criteria provided, single submitter. Criteria: Invitae Variant Classification Sherloc (09022015). Collection method: clinical testing. Allele origin: germline.
Comment: This sequence change replaces glycine, which is neutral and non-polar, with alanine, which is neutral and non-polar, at codon 319 of the TULP1 protein (p.Gly319Ala). This variant is present in population databases (rs762225895, gnomAD 0.006%). This variant has not been reported in the literature in individuals affected with TULP1-related conditions. ClinVar contains an entry for this variant (Variation ID: 1019374). Invitae Evidence Modeling of protein sequence and biophysical properties (such as structural, functional, and spatial information, amino acid conservation, physicochemical variation, residue mobility, and thermodynamic stability) indicates that this missense variant is expected to disrupt TULP1 protein function with a positive predictive value of 95%. In summary, the available evidence is currently insufficient to determine the role of this variant in disease. Therefore, it has been classified as a Variant of Uncertain Significance.

NM_003322.6(TULP1):c.956G>C (p.Gly319Ala)

Gene: TULP1 (TUB like protein 1; minus strand). Cytogenetic location: 6p21.31.
Variant type: single nucleotide variant.
Coding change: c.956G>C on transcript NM_003322.6 (MANE Select); coding-DNA position 956, G replaced by C.
Protein change: p.Gly319Ala; replaces glycine 319 with alanine.
Molecular consequence: missense variant.
Genome position (GRCh38, 1-based): chr6:35,506,046, C>G on the plus strand (G>C on the coding strand, the complement: TULP1 is on the minus strand). VCF-style: chr6-35506046-C-G. GRCh37 (hg19) VCF-style: chr6-35473823-C-G.
Other names: c.797G>C, p.Gly266Ala (NM_001289395.2); short protein forms G266A, G319A.
Identifiers: ClinVar variation 1019374 (VCV001019374.10), dbSNP rs762225895, ClinGen allele CA3772739.